The following is an entry in ClinVar:

ClinVar aggregate classification (germline): Uncertain significance (1 of 4 stars; one submission).

Conditions:
Gnathodiaphyseal dysplasia (GDD). Also called: GNATHODIAPHYSEAL SCLEROSIS; OSTEOGENESIS IMPERFECTA WITH UNUSUAL SKELETAL LESIONS. Identifiers: Orphanet 53697, MedGen C1833736, MONDO:0008151, OMIM 166260.
Autosomal recessive limb-girdle muscular dystrophy type 2L (LGMDR12). Also called: MUSCULAR DYSTROPHY, LIMB-GIRDLE, AUTOSOMAL RECESSIVE 12; Limb-girdle muscular dystrophy, type 2L; Limb-Girdle Muscular Dystrophy R12 Anoctamin-5-Related (LGMD-R12). Identifiers: Orphanet 206549, MedGen C1969785, MONDO:0012652, OMIM 611307.

Submission:

Labcorp Genetics (formerly Invitae), Labcorp
Classification: Uncertain significance for Autosomal recessive limb-girdle muscular dystrophy type 2L; Gnathodiaphyseal dysplasia. Last evaluated: 2022-08-02. Review status: criteria provided, single submitter. Criteria: Invitae Variant Classification Sherloc (09022015). Collection method: clinical testing. Allele origin: germline.
Comment: In summary, the available evidence is currently insufficient to determine the role of this variant in disease. Therefore, it has been classified as a Variant of Uncertain Significance. This sequence change falls in intron 8 of the ANO5 gene. It does not directly change the encoded amino acid sequence of the ANO5 protein. This variant is not present in population databases (gnomAD no frequency). This variant has not been reported in the literature in individuals affected with ANO5-related conditions. Algorithms developed to predict the effect of sequence changes on RNA splicing suggest that this variant may disrupt the consensus splice site.

NM_213599.3(ANO5):c.763-7T>G

Gene: ANO5 (anoctamin 5; plus strand). Cytogenetic location: 11p14.3.
Variant type: single nucleotide variant.
Coding change: c.763-7T>G on transcript NM_213599.3 (MANE Select); 7 bases into the intron before coding-DNA position 763, T replaced by G.
Molecular consequence: intron variant.
Genome position (GRCh38, 1-based): chr11:22,239,562, T>G. VCF-style: chr11-22239562-T-G. GRCh37 (hg19) VCF-style: chr11-22261108-T-G.
Other names: c.760-7T>G (NM_001142649.2).
Identifiers: ClinVar variation 2021203 (VCV002021203.4), dbSNP rs2494205991, ClinGen allele CA2580082854.